The following is an entry in ClinVar:

ClinVar aggregate classification (germline): Conflicting classifications of pathogenicity. Review status: criteria provided, conflicting classifications (1 of 4 stars). 2 submissions from 2 submitters: Uncertain significance (1); Likely benign (1). Last evaluated 2025-07-17.

gnomAD v4.1: 11 of 1,613,058 alleles (0.00068%); highest among the groups gnomAD compares: Middle Eastern, 0.017%; no homozygotes.

Submissions (2):

Labcorp Genetics (formerly Invitae), Labcorp
Classification: Uncertain significance. Last evaluated: 2025-07-17. Review status: criteria provided, single submitter. Criteria: Invitae Variant Classification Sherloc (09022015). Collection method: clinical testing. Allele origin: germline.
Comment: This sequence change replaces valine, which is neutral and non-polar, with methionine, which is neutral and non-polar, at codon 569 of the RFWD3 protein (p.Val569Met). This variant is present in population databases (rs765886734, gnomAD 0.005%). This variant has not been reported in the literature in individuals affected with RFWD3-related conditions. ClinVar contains an entry for this variant (Variation ID: 2168549). An algorithm developed to predict the effect of missense changes on protein structure and function outputs the following: PolyPhen-2: "Benign". The methionine amino acid residue is found in multiple mammalian species, which suggests that this missense change does not adversely affect protein function. In summary, the available evidence is currently insufficient to determine the role of this variant in disease. Therefore, it has been classified as a Variant of Uncertain Significance.

Blueprint Genetics
Classification: Likely benign. Last evaluated: 2022-09-21. Review status: criteria provided, single submitter. Criteria: ACMG Guidelines, 2015. Collection method: clinical testing. Allele origin: germline.

NM_018124.4(RFWD3):c.1705G>A (p.Val569Met)

Gene: RFWD3 (ring finger and WD repeat domain 3; minus strand). Cytogenetic location: 16q23.1.
Variant type: single nucleotide variant.
Coding change: c.1705G>A on transcript NM_018124.4 (MANE Select); coding-DNA position 1705, G replaced by A.
Protein change: p.Val569Met; replaces valine 569 with methionine.
Molecular consequence: missense variant. On other transcripts: intron variant (1).
Genome position (GRCh38, 1-based): chr16:74,630,830, C>T on the plus strand (G>A on the coding strand, the complement: RFWD3 is on the minus strand). VCF-style: chr16-74630830-C-T. GRCh37 (hg19) VCF-style: chr16-74664728-C-T.
Other names: c.1705G>A, p.Val569Met (NM_001370534.1, NM_001370535.1); c.871G>A, p.Val291Met (NM_001370537.1, NM_001370539.1, NM_001370540.1 and 3 more transcripts); c.1577+1693G>A (NM_001370536.1); short protein forms V569M, V291M.
Identifiers: ClinVar variation 2168549 (VCV002168549.5), dbSNP rs765886734, ClinGen allele CA8169101.
Genomic context (GRCh38, chr16:74,630,830, plus strand): 5'-TGGCTCCCTACCTGGCTTTCTGAGCTACTAACTCCTGCACATGACTGCTCGTGTTTCGCA[C>T]GTCATATACCAGAATTGAACCATTGGCCAGTCCAGCATAGATGTAGTTAGCCTCATCAAG-3'
Protein context (NP_060594.3, residues 559-579): LANGSILVYD[Val569Met]RNTSSHVQEL